The following is an entry in ClinVar:

ClinVar aggregate classification (germline): Likely pathogenic (1 of 4 stars; one submission).

Submission:

GeneDx
Classification: Likely pathogenic. Last evaluated: 2015-12-15. Review status: criteria provided, single submitter. Criteria: GeneDx Variant Classification (06012015). Collection method: clinical testing. Allele origin: germline. Affected: yes.
Comment: The S616F variant in the KIAA0196 gene has not been reported previously as a pathogenic variant, nor as a benign variant, to our knowledge. This variant was not observed in approximately 6500 individuals of European and African American ancestry in the NHLBI Exome Sequencing Project, indicating it is not a common benign variant in these populations. The S616F variant is a non-conservative amino acid substitution, which is likely to impact secondary protein structure as these residues differ in polarity, charge, size and/or other properties. This substitution occurs at a position that is conserved across species, and in silico analysis predicts this variant is probably damaging to the protein structure/function. The S616F variant is a strong candidate for a pathogenic variant, however the possibility it may be a rare benign variant cannot be excluded.

NM_014846.4(WASHC5):c.1847C>T (p.Ser616Phe)

Gene: WASHC5 (WASH complex subunit 5; minus strand). Cytogenetic location: 8q24.13.
Variant type: single nucleotide variant.
Coding change: c.1847C>T on transcript NM_014846.4 (MANE Select); coding-DNA position 1847, C replaced by T.
Protein change: p.Ser616Phe; replaces serine 616 with phenylalanine.
Molecular consequence: missense variant.
Genome position (GRCh38, 1-based): chr8:125,057,584, G>A on the plus strand (C>T on the coding strand, the complement: WASHC5 is on the minus strand). VCF-style: chr8-125057584-G-A. GRCh37 (hg19) VCF-style: chr8-126069826-G-A.
Other names: c.1403C>T, p.Ser468Phe (NM_001330609.2); short protein forms S616F, S468F.
Identifiers: ClinVar variation 372817 (VCV000372817.1), dbSNP rs1057518000, ClinGen allele CA16042608.
Genomic context (GRCh38, chr8:125,057,584, plus strand): 5'-AAGAGTAAATATCACCCTGATGCATTTCTTACTTTTCTCACATAGGATACCAACTCTCCA[G>A]AATAGTACTGTGACACGCTGAGCAGGTCGGGGCTATTTGCCTGATTAATACGAAGAAGGG-3'
Protein context (NP_055661.3, residues 606-626): PDLLSVSQYY[Ser616Phe]GELVSYVRKV